The following is an entry in ClinVar:

ClinVar aggregate classification (germline): Uncertain significance. Review status: criteria provided, multiple submitters, no conflicts (2 of 4 stars). 2 submissions from 2 submitters: Uncertain significance (2). Last evaluated 2025-01-06.

Conditions:
LAMA2-related muscular dystrophy (LAMA2-RD). Also called: Laminin alpha 2-related dystrophy. Identifiers: MedGen C5679788, MONDO:0100228.

Allele frequency attached by ClinVar (database versions not stated): ExAC 0.00002; gnomAD exomes 0.00003; TOPMed 0.00004.
gnomAD v4.1: 22 of 1,613,770 alleles (0.0014%); highest among the groups gnomAD compares: Admixed American, 0.0083%; no homozygotes.

Submissions (2):

Labcorp Genetics (formerly Invitae), Labcorp
Classification: Uncertain significance for LAMA2-related muscular dystrophy. Last evaluated: 2025-01-06. Review status: criteria provided, single submitter. Criteria: Invitae Variant Classification Sherloc (09022015). Collection method: clinical testing. Allele origin: germline.
Comment: This sequence change replaces valine, which is neutral and non-polar, with isoleucine, which is neutral and non-polar, at codon 2626 of the LAMA2 protein (p.Val2626Ile). This variant is present in population databases (rs749605696, gnomAD 0.01%). This variant has not been reported in the literature in individuals affected with LAMA2-related conditions. ClinVar contains an entry for this variant (Variation ID: 936784). Invitae Evidence Modeling of protein sequence and biophysical properties (such as structural, functional, and spatial information, amino acid conservation, physicochemical variation, residue mobility, and thermodynamic stability) indicates that this missense variant is not expected to disrupt LAMA2 protein function with a negative predictive value of 95%. In summary, the available evidence is currently insufficient to determine the role of this variant in disease. Therefore, it has been classified as a Variant of Uncertain Significance.

Revvity Omics, Revvity
Classification: Uncertain significance. Last evaluated: 2023-05-25. Review status: criteria provided, single submitter. Criteria: ACMG Guidelines, 2015. Collection method: clinical testing. Allele origin: germline.

NM_000426.4(LAMA2):c.7876G>A (p.Val2626Ile)

Gene: LAMA2 (laminin subunit alpha 2; plus strand). Cytogenetic location: 6q22.33.
Variant type: single nucleotide variant.
Coding change: c.7876G>A on transcript NM_000426.4 (MANE Select); coding-DNA position 7876, G replaced by A.
Protein change: p.Val2626Ile; replaces valine 2626 with isoleucine.
Molecular consequence: missense variant.
Genome position (GRCh38, 1-based): chr6:129,486,600, G>A. VCF-style: chr6-129486600-G-A. GRCh37 (hg19) VCF-style: chr6-129807745-G-A.
Other names: c.7864G>A, p.Val2622Ile (NM_001079823.2); short protein forms V2626I, V2622I.
Identifiers: ClinVar variation 936784 (VCV000936784.8), dbSNP rs749605696, ClinGen allele CA3994682.